The following is an entry in ClinVar:

ClinVar aggregate classification (germline): Conflicting classifications of pathogenicity. Review status: criteria provided, conflicting classifications (1 of 4 stars). 3 submissions from 3 submitters: Uncertain significance (1); Likely benign (2). Last evaluated 2025-04-04.

Conditions:
SGCB-related disorder. Also called: SGCB-related condition.
Autosomal recessive limb-girdle muscular dystrophy type 2E (LGMDR4). Also called: MUSCULAR DYSTROPHY, LIMB-GIRDLE, AUTOSOMAL RECESSIVE 4. Identifiers: Orphanet 119, MedGen C1858593, MONDO:0011423, OMIM 604286. Disease mechanism: Affects gamma-sarcoglycan and also disrupts the integrity of the entire sarcoglycan complex..

Allele frequency attached by ClinVar (database versions not stated): TOPMed 0.00003; gnomAD exomes 0.00014.
gnomAD v4.1: 24 of 1,291,176 alleles (0.0019%); highest among the groups gnomAD compares: Admixed American, 0.036%; no homozygotes.

Submissions (3):

PreventionGenetics, part of Exact Sciences
Classification: Likely benign for SGCB-related condition. Last evaluated: 2025-04-04. Review status: criteria provided, single submitter. Criteria: ACMG Guidelines, 2015. Collection method: clinical testing. Allele origin: germline.
Comment: This variant is classified as likely benign based on ACMG/AMP sequence variant interpretation guidelines (Richards et al. 2015 PMID: 25741868, with internal and published modifications).

Labcorp Genetics (formerly Invitae), Labcorp
Classification: Likely benign for Autosomal recessive limb-girdle muscular dystrophy type 2E. Last evaluated: 2025-03-27. Review status: criteria provided, single submitter. Criteria: Invitae Variant Classification Sherloc (09022015). Collection method: clinical testing. Allele origin: germline.

Eurofins Ntd Llc (ga)
Classification: Uncertain significance. Last evaluated: 2018-06-07. Review status: criteria provided, single submitter. Criteria: EGL ClinVar v180209 classification definitions. Collection method: clinical testing. Allele origin: germline. Observed: 1 variant allele, 1 heterozygote.

NM_000232.5(SGCB):c.18G>A (p.Ala6=)

Genes: SGCB (sarcoglycan beta; minus strand), LOC129992585 (ATAC-STARR-seq lymphoblastoid silent region 15421; plus strand). Cytogenetic location: 4q12.
Variant type: single nucleotide variant.
Coding change: c.18G>A on transcript NM_000232.5 (MANE Select); coding-DNA position 18, G replaced by A.
Protein change: p.Ala6=; no amino-acid change (alanine 6 retained).
Molecular consequence: synonymous variant.
Genome position (GRCh38, 1-based): chr4:52,038,242, C>T on the plus strand (G>A on the coding strand, the complement: SGCB is on the minus strand). VCF-style: chr4-52038242-C-T. GRCh37 (hg19) VCF-style: chr4-52904408-C-T.
Identifiers: ClinVar variation 597425 (VCV000597425.16), dbSNP rs998759536, ClinGen allele CA96791660.
Genomic context (GRCh38, chr4:52,038,242, plus strand): 5'-CCTCCCCCGCTCCTCCAGCCCGCGGCCGCGGCGGTACTCACAGACCTGTTCTGCAGCCGC[C>T]GCCGCCGCTGCCGCCATCTTCCCGCGCCCGCCGCCGCCGAGCTCCCCGCCCGACTGTGCC-3'
Protein context (NP_000223.1, residues 1-16): MAAAA[Ala6=]AAAEQQSSNG